The following is an entry in ClinVar:

ClinVar aggregate classification (germline): Uncertain significance (1 of 4 stars; one submission).

Conditions:
Early-infantile DEE. Also called: Early infantile epileptic encephalopathy; Early infantile epileptic encephalopathy with suppression bursts; Ohtahara syndrome. Identifiers: Orphanet 1934, MedGen C0393706, MONDO:0800491.

Allele frequency attached by ClinVar (database versions not stated): ESP Exome Variant Server 0.00008; TOPMed below 0.00001; ExAC 0.00001.

Submission:

Labcorp Genetics (formerly Invitae), Labcorp
Classification: Uncertain significance for Early-infantile DEE. Last evaluated: 2023-10-05. Review status: criteria provided, single submitter. Criteria: Invitae Variant Classification Sherloc (09022015). Collection method: clinical testing. Allele origin: germline.
Comment: This sequence change replaces arginine, which is basic and polar, with histidine, which is basic and polar, at codon 1629 of the SCN8A protein (p.Arg1629His). This variant is not present in population databases (gnomAD no frequency). This variant has not been reported in the literature in individuals affected with SCN8A-related conditions. Advanced modeling of protein sequence and biophysical properties (such as structural, functional, and spatial information, amino acid conservation, physicochemical variation, residue mobility, and thermodynamic stability) performed at Invitae indicates that this missense variant is expected to disrupt SCN8A protein function. In summary, the available evidence is currently insufficient to determine the role of this variant in disease. Therefore, it has been classified as a Variant of Uncertain Significance.

NM_001330260.2(SCN8A):c.4886G>A (p.Arg1629His)

Gene: SCN8A (sodium voltage-gated channel alpha subunit 8; plus strand). Cytogenetic location: 12q13.13.
Variant type: single nucleotide variant.
Coding change: c.4886G>A on transcript NM_001330260.2 (MANE Select); coding-DNA position 4886, G replaced by A.
Protein change: p.Arg1629His; replaces arginine 1629 with histidine.
Molecular consequence: missense variant.
Genome position (GRCh38, 1-based): chr12:51,806,372, G>A. VCF-style: chr12-51806372-G-A. GRCh37 (hg19) VCF-style: chr12-52200156-G-A.
Other names: c.4763G>A, p.Arg1588His (NM_001177984.3, NM_001369788.1); c.4886G>A, p.Arg1629His (NM_014191.4); short protein forms R1588H, R1629H.
Identifiers: ClinVar variation 2731188 (VCV002731188.3), dbSNP rs376631260, ClinGen allele CA6571877.